The following is an entry in ClinVar:

ClinVar aggregate classification (germline): Benign/Likely benign. Review status: criteria provided, multiple submitters, no conflicts (2 of 4 stars). 3 submissions from 3 submitters: Benign (1); Likely benign (2). Last evaluated 2025-06-10.

Conditions:
Evans syndrome, immunodeficiency, and premature immunosenescence associated with tripeptidyl-peptidase II deficiency. Identifiers: MedGen CN231723. Disease mechanism: loss of function.

Allele frequency attached by ClinVar (database versions not stated): gnomAD 0.00004 and 0.00006; 1000 Genomes Project 0.00040; 1000 Genomes Project 30x 0.00078.
gnomAD v4.1: 220 of 1,610,068 alleles (0.014%); highest among the groups gnomAD compares: South Asian, 0.19%; 2 homozygotes.

Submissions (3):

Mayo Clinic Laboratories, Mayo Clinic
Classification: Likely benign. Last evaluated: 2025-06-10. Review status: criteria provided, single submitter. Criteria: ACMG Guidelines, 2015. Collection method: clinical testing. Allele origin: germline. Observed: 1 variant allele.
Comment: BS1, BP4, BP7

Labcorp Genetics (formerly Invitae), Labcorp
Classification: Benign for Evans syndrome, immunodeficiency, and premature immunosenescence associated with tripeptidyl-peptidase II deficiency. Last evaluated: 2024-09-04. Review status: criteria provided, single submitter. Criteria: Invitae Variant Classification Sherloc (09022015). Collection method: clinical testing. Allele origin: germline.

Blueprint Genetics
Classification: Likely benign. Last evaluated: 2023-06-19. Review status: criteria provided, single submitter. Criteria: ACMG Guidelines, 2015. Collection method: clinical testing. Allele origin: germline.

NM_001330588.2(TPP2):c.483C>T (p.Asn161=)

Gene: TPP2 (tripeptidyl peptidase 2; plus strand). Cytogenetic location: 13q33.1.
Variant type: single nucleotide variant.
Coding change: c.483C>T on transcript NM_001330588.2 (MANE Select); coding-DNA position 483, C replaced by T.
Protein change: p.Asn161=; no amino-acid change (asparagine 161 retained).
Molecular consequence: synonymous variant. On other transcripts: non-coding transcript variant (1).
Genome position (GRCh38, 1-based): chr13:102,616,488, C>T. VCF-style: chr13-102616488-C-T. GRCh37 (hg19) VCF-style: chr13-103268838-C-T.
Other names: p.Asn161=; c.483C>T, p.Asn161= (NM_001367947.1, NM_003291.4).
Identifiers: ClinVar variation 1530653 (VCV001530653.10), dbSNP rs539406402, ClinGen allele CA7037521.